The following is an entry in ClinVar:

ClinVar aggregate classification (germline): Pathogenic (1 of 4 stars; one submission).

Conditions:
Nemaline myopathy 2 (NEM2). Also called: Nemaline myopathy 2, autosomal recessive. Identifiers: MedGen C1850569, MONDO:0009725, OMIM 256030.

Submission:

Myriad Genetics, Inc.
Classification: Pathogenic for Nemaline myopathy 2. Last evaluated: 2025-10-21. Review status: criteria provided, single submitter. Criteria: Myriad Autosomal Dominant, Autosomal Recessive and X-Linked Classification Criteria (2023). Collection method: clinical testing. Allele origin: unknown.
Comment: NM_001271208.1(NEB):c.2014_2015delTT(L672Ifs*30) is expected to be pathogenic in the context of NEB-related nemaline myopathy. This variant is predicted to lead to an abnormal or absent protein product due to the creation of a premature termination codon in NEB, a gene where loss-of-function variants are known to be pathogenic. Please note: this variant was assessed in the context of healthy population screening.

NM_001164508.2(NEB):c.2014_2015del (p.Leu672fs)

Gene: NEB (nebulin; minus strand). Cytogenetic location: 2q23.3.
Variant type: Deletion.
Coding change: c.2014_2015del on transcript NM_001164508.2 (MANE Select); coding-DNA positions 2014 to 2015, 2 bases deleted (TT; older notation c.2014_2015delTT).
Protein change: p.Leu672fs; shifts the reading frame from leucine 672.
Molecular consequence: frameshift variant.
Genome position (GRCh38, 1-based): chr2:151,692,150-151,692,151, AA deleted on the plus strand (TT on the coding strand, the reverse complement: NEB is on the minus strand). VCF-style (leftmost placement, unchanged base first): chr2-151692149-TAA-T. GRCh37 (hg19) VCF-style: chr2-152548663-TAA-T.
Other names: c.2014_2015del, p.Leu672fs (NM_001164507.2, NM_001271208.2, NM_004543.5); short protein forms L672fs.
Identifiers: ClinVar variation 5015118 (VCV005015118.1).